The following is an entry in ClinVar:

ClinVar aggregate classification (germline): Benign. Review status: criteria provided, multiple submitters, no conflicts (2 of 4 stars). 2 submissions from 2 submitters: Benign (2). Last evaluated 2018-01-13.

Conditions:
CEDNIK syndrome. Also called: CEREBRAL DYSGENESIS, NEUROPATHY, ICHTHYOSIS, AND PALMOPLANTAR KERATODERMA SYNDROME; Cerebral dysgenesis, neuropathy, ichthyosis, and palmoplantar keratoderma. Identifiers: Orphanet 66631, MedGen C1836033, MONDO:0012290, OMIM 609528.

Allele frequency attached by ClinVar (database versions not stated): gnomAD exomes 0.33072; gnomAD 0.38598 and 0.38814; TOPMed 0.41184; 1000 Genomes Project 0.42672; 1000 Genomes Project 30x 0.43098.
gnomAD v4.1: 103,671 of 287,798 alleles (36%); highest among the groups gnomAD compares: East Asian, 49%; 19,939 homozygotes.

Submissions (2):

Illumina Laboratory Services, Illumina
Classification: Benign for CEDNIK syndrome. Last evaluated: 2018-01-13. Review status: criteria provided, single submitter. Criteria: ICSL Variant Classification Criteria 13 December 2019. Collection method: clinical testing. Allele origin: germline.
Comment: This variant was observed in the ICSL laboratory as part of a predisposition screen in an ostensibly healthy population. It had not been previously curated by ICSL or reported in the Human Gene Mutation Database (HGMD: prior to June 1st, 2018), and was therefore a candidate for classification through an automated scoring system. Utilizing variant allele frequency, disease prevalence and penetrance estimates, and inheritance mode, an automated score was calculated to assess if this variant is too frequent to cause the disease. Based on the score and internal cut-off values, a variant classified as benign is not then subjected to further curation. The score for this variant resulted in a classification of benign for this disease.

Breakthrough Genomics
Classification: Benign. Review status: criteria provided, single submitter. Criteria: ACMG Guidelines, 2015. Collection method: not provided. Allele origin: germline. Inheritance: Autosomal recessive inheritance. Affected: yes.

NM_004782.4(SNAP29):c.*420A>G

Gene: SNAP29 (synaptosome associated protein 29; plus strand). Cytogenetic location: 22q11.21.
Variant type: single nucleotide variant.
Coding change: c.*420A>G on transcript NM_004782.4 (MANE Select); 420 bases downstream of the stop codon, A replaced by G.
Molecular consequence: 3 prime UTR variant.
Genome position (GRCh38, 1-based): chr22:20,888,256, A>G. VCF-style: chr22-20888256-A-G. GRCh37 (hg19) VCF-style: chr22-21242544-A-G.
Identifiers: ClinVar variation 340842 (VCV000340842.6), dbSNP rs178077, ClinGen allele CA10650902.
Genomic context (GRCh38, chr22:20,888,256, plus strand): 5'-GAGCCTCTATTTCTCATTCCTAAGCCTTACCATGAGTCAGAGTGTTAAGGGGGCCTGTGA[A>G]CCAGTCGTTTGGTGGAGGAGGGTCCTTCCCACACCTTTGTTTAGGAGTCATCATTCACAC-3'